The following is an entry in ClinVar:

ClinVar aggregate classification (germline): Uncertain significance (1 of 4 stars; one submission).

Submission:

Ambry Genetics
Classification: Uncertain significance. Last evaluated: 2023-04-23. Review status: criteria provided, single submitter. Criteria: Ambry Variant Classification Scheme 2023. Collection method: clinical testing. Allele origin: germline.
Comment: The p.Q234H variant (also known as c.702G>T), located in coding exon 6 of the NQO1 gene, results from a G to T substitution at nucleotide position 702. The glutamine at codon 234 is replaced by histidine, an amino acid with highly similar properties. This amino acid position is conserved. In addition, this alteration is predicted to be tolerated by in silico analysis. Since supporting evidence is limited at this time, the clinical significance of this alteration remains unclear.

NM_000903.3(NQO1):c.702G>T (p.Gln234His)

Gene: NQO1 (NAD(P)H quinone dehydrogenase 1; minus strand). Cytogenetic location: 16q22.1.
Variant type: single nucleotide variant.
Coding change: c.702G>T on transcript NM_000903.3 (MANE Select); coding-DNA position 702, G replaced by T.
Protein change: p.Gln234His; replaces glutamine 234 with histidine.
Molecular consequence: missense variant.
Genome position (GRCh38, 1-based): chr16:69,711,099, C>A on the plus strand (G>T on the coding strand, the complement: NQO1 is on the minus strand). VCF-style: chr16-69711099-C-A. GRCh37 (hg19) VCF-style: chr16-69745002-C-A.
Other names: c.600G>T, p.Gln200His (NM_001025433.2); c.588G>T, p.Gln196His (NM_001025434.2); c.486G>T, p.Gln162His (NM_001286137.2); short protein forms Q196H, Q162H, Q200H, Q234H.
Identifiers: ClinVar variation 2565187 (VCV002565187.2), dbSNP rs2544318118, ClinGen allele CA396487565.